The following is an entry in ClinVar:

NM_006445.4(PRPF8):c.6740A>G (p.Asn2247Ser)

Gene: PRPF8 (pre-mRNA processing factor 8; minus strand). Cytogenetic location: 17p13.3.
Variant type: single nucleotide variant.
Coding change: c.6740A>G on transcript NM_006445.4 (MANE Select); coding-DNA position 6740, A replaced by G.
Protein change: p.Asn2247Ser; replaces asparagine 2247 with serine.
Molecular consequence: missense variant.
Genome position (GRCh38, 1-based): chr17:1,651,221, T>C on the plus strand (A>G on the coding strand, the complement: PRPF8 is on the minus strand). VCF-style: chr17-1651221-T-C. GRCh37 (hg19) VCF-style: chr17-1554515-T-C.
Other names: short protein forms N2247S.
Identifiers: ClinVar variation 1981863 (VCV001981863.4), dbSNP rs770322405, ClinGen allele CA8271105.
Genomic context (GRCh38, chr17:1,651,221, plus strand): 5'-AAACGGTCCGACAGCAGCATCTGCACCCTCTCATAGTGTGAAGGCAGGTAGCCCTTGGGG[T>C]TGTTGCCCTTGTCTGTGTTCTGGCGGCCCCATTCGTAGCCACTGGGGGTCAGCTTGTAGG-3'
Protein context (NP_006436.3, residues 2237-2257): WGRQNTDKGN[Asn2247Ser]PKGYLPSHYE

ClinVar aggregate classification (germline): Uncertain significance (1 of 4 stars; one submission).

Allele frequency attached by ClinVar (database versions not stated): ExAC 0.00002; gnomAD exomes 0.00002; gnomAD 0.00003; TOPMed 0.00003.
gnomAD v4.1: 28 of 1,613,950 alleles (0.0017%); highest among the groups gnomAD compares: Non-Finnish European, 0.0021%; no homozygotes.

Submission:

Labcorp Genetics (formerly Invitae), Labcorp
Classification: Uncertain significance. Last evaluated: 2024-10-28. Review status: criteria provided, single submitter. Criteria: Invitae Variant Classification Sherloc (09022015). Collection method: clinical testing. Allele origin: germline.
Comment: This sequence change replaces asparagine, which is neutral and polar, with serine, which is neutral and polar, at codon 2247 of the PRPF8 protein (p.Asn2247Ser). This variant is present in population databases (rs770322405, gnomAD 0.005%). This variant has not been reported in the literature in individuals affected with PRPF8-related conditions. ClinVar contains an entry for this variant (Variation ID: 1981863). Invitae Evidence Modeling of protein sequence and biophysical properties (such as structural, functional, and spatial information, amino acid conservation, physicochemical variation, residue mobility, and thermodynamic stability) indicates that this missense variant is not expected to disrupt PRPF8 protein function with a negative predictive value of 80%. In summary, the available evidence is currently insufficient to determine the role of this variant in disease. Therefore, it has been classified as a Variant of Uncertain Significance.